The following is an entry in ClinVar:

NM_007352.4(CELA3B):c.129+1G>A

Gene: CELA3B (chymotrypsin like elastase 3B; plus strand). Cytogenetic location: 1p36.12.
Variant type: single nucleotide variant.
Coding change: c.129+1G>A on transcript NM_007352.4 (MANE Select); the canonical splice donor site of the intron after coding-DNA position 129, G replaced by A.
Molecular consequence: splice donor variant.
Genome position (GRCh38, 1-based): chr1:21,978,455, G>A. VCF-style: chr1-21978455-G-A. GRCh37 (hg19) VCF-style: chr1-22304948-G-A.
Other names: NC_000001.10:g.22304948G>A.
Identifiers: ClinVar variation 3904903 (VCV003904903.11).

ClinVar aggregate classification (germline): Likely benign (1 of 4 stars; one submission).

gnomAD v4.1: 978 of 1,614,062 alleles (0.061%); highest among the groups gnomAD compares: Non-Finnish European, 0.059%; 3 homozygotes.

Submissions (3):

CeGaT Center for Human Genetics Tuebingen
Classification: Likely benign. Last evaluated: 2025-06-01. Review status: criteria provided, single submitter. Criteria: CeGaT Center For Human Genetics Tuebingen Variant Classification Criteria Version 2. Collection method: clinical testing. Allele origin: germline. Affected: yes. Observed: 1 variant allele.
Comment: CELA3B: BS2

Dr. Peter K. Rogan Lab, Western University
No classification provided (evidence only). Condition: Colon adenocarcinoma. Review status: no classification provided. Collection method: in vitro. Allele origin: not applicable. Functional consequence: retained intron. Not counted in ClinVar's aggregate classification.

Dr. Peter K. Rogan Lab, Western University
No classification provided (evidence only). Condition: Colorectal cancer. Review status: no classification provided. Collection method: in vitro. Allele origin: not applicable. Functional consequence: retained intron. Not counted in ClinVar's aggregate classification.